The following is an entry in ClinVar:

NM_001042750.2(STAG2):c.1705G>A (p.Val569Met)

Gene: STAG2 (STAG2 cohesin complex component; plus strand). Cytogenetic location: Xq25.
Variant type: single nucleotide variant.
Coding change: c.1705G>A on transcript NM_001042750.2 (MANE Select); coding-DNA position 1705, G replaced by A.
Protein change: p.Val569Met; replaces valine 569 with methionine.
Molecular consequence: missense variant.
Genome position (GRCh38, 1-based): chrX:124,062,968, G>A. VCF-style: chrX-124062968-G-A. GRCh37 (hg19) VCF-style: chrX-123196818-G-A.
Other names: c.1705G>A, p.Val569Met (NM_001042749.2, NM_001042751.2, NM_001282418.2 and 13 more transcripts); short protein forms V569M.
Identifiers: ClinVar variation 3622182 (VCV003622182.2).

ClinVar aggregate classification (germline): Uncertain significance (1 of 4 stars; one submission).

gnomAD v4.1: 11 of 1,210,778 alleles (0.00091%); highest among the groups gnomAD compares: East Asian, 0.0059%; no homozygotes.

Submission:

Labcorp Genetics (formerly Invitae), Labcorp
Classification: Uncertain significance. Last evaluated: 2024-11-29. Review status: criteria provided, single submitter. Criteria: Invitae Variant Classification Sherloc (09022015). Collection method: clinical testing. Allele origin: germline.
Comment: This sequence change replaces valine, which is neutral and non-polar, with methionine, which is neutral and non-polar, at codon 569 of the STAG2 protein (p.Val569Met). The frequency data for this variant in the population databases is considered unreliable, as metrics indicate poor data quality at this position in the gnomAD database. This variant has not been reported in the literature in individuals affected with STAG2-related conditions. Invitae Evidence Modeling of protein sequence and biophysical properties (such as structural, functional, and spatial information, amino acid conservation, physicochemical variation, residue mobility, and thermodynamic stability) indicates that this missense variant is not expected to disrupt STAG2 protein function with a negative predictive value of 80%. In summary, the available evidence is currently insufficient to determine the role of this variant in disease. Therefore, it has been classified as a Variant of Uncertain Significance.